The following is an entry in ClinVar:

ClinVar aggregate classification (germline): Likely pathogenic (1 of 4 stars; one submission).

Conditions:
Dilated cardiomyopathy 1G (CMD1G). Identifiers: Orphanet 154, MedGen C1858763, MONDO:0011400, OMIM 604145.
Autosomal recessive limb-girdle muscular dystrophy type 2J (LGMDR10). Also called: Limb-girdle muscular dystrophy, type 2J; MUSCULAR DYSTROPHY, LIMB-GIRDLE, AUTOSOMAL RECESSIVE 10. Identifiers: Orphanet 140922, MedGen C1837342, MONDO:0012127, OMIM 608807.

Submission:

Labcorp Genetics (formerly Invitae), Labcorp
Classification: Likely pathogenic for Dilated cardiomyopathy 1G; Autosomal recessive limb-girdle muscular dystrophy type 2J. Last evaluated: 2023-04-22. Review status: criteria provided, single submitter. Criteria: Invitae Variant Classification Sherloc (09022015). Collection method: clinical testing. Allele origin: germline.
Comment: In summary, the currently available evidence indicates that the variant is pathogenic, but additional data are needed to prove that conclusively. Therefore, this variant has been classified as Likely Pathogenic. This variant is located in the A band of TTN (PMID: 25589632). Truncating variants in this region are significantly overrepresented in patients affected with dilated cardiomyopathy (PMID: 25589632). Truncating variants in this region have also been reported in individuals affected with autosomal recessive centronuclear myopathy (PMID: 23975875). This variant has not been reported in the literature in individuals affected with TTN-related conditions. This variant is not present in population databases (gnomAD no frequency). This sequence change creates a premature translational stop signal (p.Val19418Phefs*18) in the TTN gene. While this is not anticipated to result in nonsense mediated decay, it is expected to create a truncated TTN protein.

Literature cited by the submitters: PubMed 25589632; PubMed 23975875.

NM_001267550.2(TTN):c.58252del (p.Val19418fs)

Genes: TTN (titin; minus strand), TTN-AS1 (TTN antisense RNA 1; plus strand). Cytogenetic location: 2q31.2.
Variant type: Deletion.
Coding change: c.58252del on transcript NM_001267550.2 (MANE Select); coding-DNA position 58252, one base deleted (G; older notation c.58252delG).
Protein change: p.Val19418fs; shifts the reading frame from valine 19418.
Molecular consequence: frameshift variant.
Genome position (GRCh38, 1-based): chr2:178,594,141, C deleted on the plus strand (G on the coding strand, the reverse complement: TTN is on the minus strand); the first of 2 consecutive C bases (chr2:178,594,141-178,594,142); deleting either gives the same sequence. VCF-style (leftmost placement, unchanged base first): chr2-178594140-AC-A. GRCh37 (hg19) VCF-style: chr2-179458867-AC-A.
Other names: c.53329del, p.Val17777fs (NM_001256850.1); c.31057del, p.Val10353fs (NM_003319.4); c.50548del, p.Val16850fs (NM_133378.4); c.31432del, p.Val10478fs (NM_133432.3); c.31633del, p.Val10545fs (NM_133437.4); short protein forms V10353fs, V16850fs, V10478fs, V10545fs, V17777fs, V19418fs.
Identifiers: ClinVar variation 2946980 (VCV002946980.3), dbSNP rs2469616515, ClinGen allele CA2740090963.